The following is an entry in ClinVar:

NM_138694.4(PKHD1):c.3338T>G (p.Leu1113Arg)

Gene: PKHD1 (PKHD1 ciliary IPT domain containing fibrocystin/polyductin; minus strand). Cytogenetic location: 6p12.2.
Variant type: single nucleotide variant.
Coding change: c.3338T>G on transcript NM_138694.4 (MANE Select); coding-DNA position 3338, T replaced by G.
Protein change: p.Leu1113Arg; replaces leucine 1113 with arginine.
Molecular consequence: missense variant.
Genome position (GRCh38, 1-based): chr6:52,033,056, A>C on the plus strand (T>G on the coding strand, the complement: PKHD1 is on the minus strand). VCF-style: chr6-52033056-A-C. GRCh37 (hg19) VCF-style: chr6-51897854-A-C.
Other names: c.3338T>G, p.Leu1113Arg (NM_170724.3); short protein forms L1113R.
Identifiers: ClinVar variation 357441 (VCV000357441.6), dbSNP rs746070060, ClinGen allele CA3852977.

ClinVar aggregate classification (germline): Uncertain significance. Review status: criteria provided, multiple submitters, no conflicts (2 of 4 stars). 2 submissions from 2 submitters: Uncertain significance (2). Last evaluated 2022-05-29.

Conditions:
Autosomal recessive polycystic kidney disease (ARPKD). Also called: AR polycystic kidney disease. Identifiers: Orphanet 731, Orphanet 8378, MedGen C0085548, MeSH D017044, MONDO:0009889.

Allele frequency attached by ClinVar (database versions not stated): TOPMed below 0.00001; ExAC 0.00001; gnomAD 0.00001; gnomAD exomes below 0.00001.
gnomAD v4.1: 17 of 1,612,544 alleles (0.0011%); highest among the groups gnomAD compares: Non-Finnish European, 0.0014%; no homozygotes.

Submissions (2):

Labcorp Genetics (formerly Invitae), Labcorp
Classification: Uncertain significance for Autosomal recessive polycystic kidney disease. Last evaluated: 2022-05-29. Review status: criteria provided, single submitter. Criteria: Invitae Variant Classification Sherloc (09022015). Collection method: clinical testing. Allele origin: germline.
Comment: This sequence change replaces leucine, which is neutral and non-polar, with arginine, which is basic and polar, at codon 1113 of the PKHD1 protein (p.Leu1113Arg). This variant is present in population databases (rs746070060, gnomAD 0.0009%). This variant has not been reported in the literature in individuals affected with PKHD1-related conditions. ClinVar contains an entry for this variant (Variation ID: 357441). Advanced modeling of protein sequence and biophysical properties (such as structural, functional, and spatial information, amino acid conservation, physicochemical variation, residue mobility, and thermodynamic stability) performed at Invitae indicates that this missense variant is expected to disrupt PKHD1 protein function. In summary, the available evidence is currently insufficient to determine the role of this variant in disease. Therefore, it has been classified as a Variant of Uncertain Significance.

Illumina Laboratory Services, Illumina
Classification: Uncertain significance for Polycystic kidney disease 4. Last evaluated: 2018-01-13. Review status: criteria provided, single submitter. Criteria: ICSL Variant Classification Criteria 13 December 2019. Collection method: clinical testing. Allele origin: germline.